The following is an entry in ClinVar:

NM_053025.4(MYLK):c.4520G>C (p.Arg1507Pro)

Gene: MYLK (myosin light chain kinase; minus strand). Cytogenetic location: 3q21.1.
Variant type: single nucleotide variant.
Coding change: c.4520G>C on transcript NM_053025.4 (MANE Select); coding-DNA position 4520, G replaced by C.
Protein change: p.Arg1507Pro; replaces arginine 1507 with proline.
Molecular consequence: missense variant.
Genome position (GRCh38, 1-based): chr3:123,647,323, C>G on the plus strand (G>C on the coding strand, the complement: MYLK is on the minus strand). VCF-style: chr3-123647323-C-G. GRCh37 (hg19) VCF-style: chr3-123366170-C-G.
Other names: c.3992G>C, p.Arg1331Pro (NM_001321309.2); c.4313G>C, p.Arg1438Pro (NM_053026.4, NM_053028.4); c.4520G>C, p.Arg1507Pro (NM_053027.4); short protein forms R1331P, R1438P, R1507P.
Identifiers: ClinVar variation 3364830 (VCV003364830.1).

ClinVar aggregate classification (germline): Uncertain significance (1 of 4 stars; one submission).

Submission:

GeneDx
Classification: Uncertain significance. Last evaluated: 2023-11-22. Review status: criteria provided, single submitter. Criteria: GeneDx Variant Classification Process June 2021. Collection method: clinical testing. Allele origin: germline. Affected: yes.
Comment: Has not been previously published as pathogenic or benign to our knowledge; Not observed at significant frequency in large population cohorts (gnomAD); In silico analysis supports that this missense variant has a deleterious effect on protein structure/function